The following is an entry in ClinVar:

NM_012418.4(FSCN2):c.673G>T (p.Asp225Tyr)

Gene: FSCN2 (fascin actin-bundling protein 2, retinal; plus strand). Cytogenetic location: 17q25.3.
Variant type: single nucleotide variant.
Coding change: c.673G>T on transcript NM_012418.4 (MANE Select); coding-DNA position 673, G replaced by T.
Protein change: p.Asp225Tyr; replaces aspartic acid 225 with tyrosine.
Molecular consequence: missense variant.
Genome position (GRCh38, 1-based): chr17:81,529,204, G>T. VCF-style: chr17-81529204-G-T. GRCh37 (hg19) VCF-style: chr17-79496230-G-T.
Other names: c.673G>T, p.Asp225Tyr (NM_001077182.3); c.673G>T (NM_001077182.2); short protein forms D225Y.
Identifiers: ClinVar variation 1492849 (VCV001492849.10), dbSNP rs782333124, ClinGen allele CA8836749.

ClinVar aggregate classification (germline): Conflicting classifications of pathogenicity. Review status: criteria provided, conflicting classifications (1 of 4 stars). 3 submissions from 3 submitters: Uncertain significance (2); Benign (1). Last evaluated 2025-03-26.

Conditions:
Retinal dystrophy. Also called: Inherited retinal dystrophy. Identifiers: Orphanet 71862, MedGen C0854723, MeSH D058499, MONDO:0019118, HP:0000556.

gnomAD v4.1: 17 of 1,597,378 alleles (0.0011%); highest among the groups gnomAD compares: East Asian, 0.038%; no homozygotes.

Submissions (3):

Labcorp Genetics (formerly Invitae), Labcorp
Classification: Uncertain significance. Last evaluated: 2025-03-26. Review status: criteria provided, single submitter. Criteria: Invitae Variant Classification Sherloc (09022015). Collection method: clinical testing. Allele origin: germline.
Comment: This sequence change replaces aspartic acid, which is acidic and polar, with tyrosine, which is neutral and polar, at codon 225 of the FSCN2 protein (p.Asp225Tyr). This variant is present in population databases (rs782333124, gnomAD 0.07%), and has an allele count higher than expected for a pathogenic variant. This variant has not been reported in the literature in individuals affected with FSCN2-related conditions. ClinVar contains an entry for this variant (Variation ID: 1492849). An algorithm developed to predict the effect of missense changes on protein structure and function (PolyPhen-2) suggests that this variant is likely to be disruptive. In summary, the available evidence is currently insufficient to determine the role of this variant in disease. Therefore, it has been classified as a Variant of Uncertain Significance.

Ambry Genetics
Classification: Uncertain significance. Last evaluated: 2023-12-15. Review status: criteria provided, single submitter. Criteria: Ambry Variant Classification Scheme 2023. Collection method: clinical testing. Allele origin: germline.

Dept Of Ophthalmology, Nagoya University
Classification: Benign for Retinal dystrophy. Last evaluated: 2023-10-01. Review status: criteria provided, single submitter. Criteria: Submitter's publication. Collection method: research. Allele origin: germline. Affected: yes.